The following is an entry in ClinVar:

NM_001105206.3(LAMA4):c.196-304A>G

Gene: LAMA4 (laminin subunit alpha 4; minus strand). Cytogenetic location: 6q21.
Variant type: single nucleotide variant.
Coding change: c.196-304A>G on transcript NM_001105206.3 (MANE Select); 304 bases into the intron before coding-DNA position 196, A replaced by G.
Molecular consequence: intron variant.
Genome position (GRCh38, 1-based): chr6:112,216,773, T>C on the plus strand (A>G on the coding strand, the complement: LAMA4 is on the minus strand). VCF-style: chr6-112216773-T-C. GRCh37 (hg19) VCF-style: chr6-112537974-T-C.
Other names: c.196-304A>G (NM_002290.5, NM_001105207.3).
Identifiers: ClinVar variation 668986 (VCV000668986.1), dbSNP rs57283028, ClinGen allele CA145040113.

ClinVar aggregate classification (germline): Benign (1 of 4 stars; one submission).

Allele frequency attached by ClinVar (database versions not stated): 1000 Genomes Project 0.01577; 1000 Genomes Project 30x 0.01733; gnomAD 0.01734 and 0.01862; TOPMed 0.01968.
gnomAD v4.1: 3,171 of 377,454 alleles (0.84%); highest among the groups gnomAD compares: African/African-American, 6.1%; 103 homozygotes.

Submission:

GeneDx
Classification: Benign. Last evaluated: 2018-06-14. Review status: criteria provided, single submitter. Criteria: GeneDx Variant Classification (06012015). Collection method: clinical testing. Allele origin: germline. Affected: yes.
Comment: This variant is considered likely benign or benign based on one or more of the following criteria: it is a conservative change, it occurs at a poorly conserved position in the protein, it is predicted to be benign by multiple in silico algorithms, and/or has population frequency not consistent with disease.